The following is an entry in ClinVar:

ClinVar aggregate classification (germline): Pathogenic (1 of 4 stars; one submission).

Submission:

Labcorp Genetics (formerly Invitae), Labcorp
Classification: Pathogenic. Last evaluated: 2025-08-18. Review status: criteria provided, single submitter. Criteria: Invitae Variant Classification Sherloc (09022015). Collection method: clinical testing. Allele origin: germline.
Comment: This sequence change creates a premature translational stop signal (p.Arg456Thrfs*4) in the DNM1L gene. It is expected to result in an absent or disrupted protein product. Loss-of-function variants in DNM1L are known to be pathogenic (PMID: 26825290, 27328748). This variant is not present in population databases (gnomAD no frequency). This variant has not been reported in the literature in individuals affected with DNM1L-related conditions. ClinVar contains an entry for this variant (Variation ID: 2737258). Algorithms developed to predict the effect of sequence changes on RNA splicing suggest that this variant may disrupt the consensus splice site. For these reasons, this variant has been classified as Pathogenic.

Literature cited by the submitters: PubMed 26825290; PubMed 27328748.

NM_012062.5(DNM1L):c.1365dup (p.Arg456fs)

Gene: DNM1L (dynamin 1 like; plus strand). Cytogenetic location: 12p11.21.
Variant type: Duplication.
Coding change: c.1365dup on transcript NM_012062.5 (MANE Select); coding-DNA position 1365, one base duplicated (A; older notation c.1365dupA).
Protein change: p.Arg456fs; shifts the reading frame from arginine 456.
Molecular consequence: frameshift variant.
Genome position (GRCh38, 1-based): chr12:32,731,862, A duplicated. VCF-style (leftmost placement, unchanged base first): chr12-32731861-T-TA. GRCh37 (hg19) VCF-style: chr12-32884795-T-TA.
Other names: c.1365dup, p.Arg456fs (NM_001278463.2, NM_005690.5, NM_012063.4); c.1404dup, p.Arg469fs (NM_001278464.2, NM_001278465.2, NM_001330380.2); c.756dup, p.Arg253fs (NM_001278466.2); short protein forms R456fs, R253fs, R469fs.
Identifiers: ClinVar variation 2737258 (VCV002737258.3), dbSNP rs2541083787, ClinGen allele CA2697559149.